The following is an entry in ClinVar:

NM_018671.5(UNC45A):c.273T>A (p.Asp91Glu)

Gene: UNC45A (unc-45 myosin chaperone A; plus strand). Cytogenetic location: 15q26.1.
Variant type: single nucleotide variant.
Coding change: c.273T>A on transcript NM_018671.5 (MANE Select); coding-DNA position 273, T replaced by A.
Protein change: p.Asp91Glu; replaces aspartic acid 91 with glutamic acid.
Molecular consequence: missense variant. On other transcripts: 5 prime UTR variant (1).
Genome position (GRCh38, 1-based): chr15:90,936,307, T>A. VCF-style: chr15-90936307-T-A. GRCh37 (hg19) VCF-style: chr15-91479537-T-A.
Other names: c.228T>A, p.Asp76Glu (NM_001039675.2, NM_001323621.2); c.273T>A, p.Asp91Glu (NM_001323619.1); c.-163T>A (NM_001323620.2); short protein forms D76E, D91E.
Identifiers: ClinVar variation 1427501 (VCV001427501.5), dbSNP rs929175081, ClinGen allele CA274803186.

ClinVar aggregate classification (germline): Uncertain significance (1 of 4 stars; one submission).

Allele frequency attached by ClinVar (database versions not stated): gnomAD 0.00001; gnomAD exomes 0.00001; TOPMed 0.00002.
gnomAD v4.1: 12 of 1,613,690 alleles (0.00074%); highest among the groups gnomAD compares: African/African-American, 0.0013%; no homozygotes.

Submission:

Labcorp Genetics (formerly Invitae), Labcorp
Classification: Uncertain significance. Last evaluated: 2022-02-24. Review status: criteria provided, single submitter. Criteria: Invitae Variant Classification Sherloc (09022015). Collection method: clinical testing. Allele origin: germline.
Comment: This sequence change replaces aspartic acid, which is acidic and polar, with glutamic acid, which is acidic and polar, at codon 91 of the UNC45A protein (p.Asp91Glu). This variant is not present in population databases (gnomAD no frequency). This variant has not been reported in the literature in individuals affected with UNC45A-related conditions. Algorithms developed to predict the effect of missense changes on protein structure and function are either unavailable or do not agree on the potential impact of this missense change (SIFT: "Not Available"; PolyPhen-2: "Probably Damaging"; Align-GVGD: "Not Available"). In summary, the available evidence is currently insufficient to determine the role of this variant in disease. Therefore, it has been classified as a Variant of Uncertain Significance.